The following is an entry in ClinVar:

Single allele

Genes: ABR (ABR activator of RhoGEF and GTPase; minus strand), ALOX15 (arachidonate 15-lipoxygenase; minus strand), ANKFY1 (ankyrin repeat and FYVE domain containing 1; minus strand), ASPA (aspartoacylase; plus strand), ATP2A3 (ATPase sarcoplasmic/endoplasmic reticulum Ca2+ transporting 3; minus strand) and 77 more. Cytogenetic location: 17p13.3-13.2.
Variant type: Deletion.
Identifiers: ClinVar variation 2671597 (VCV002671597.1).

ClinVar aggregate classification (germline): Pathogenic (1 of 4 stars; one submission).

Submission:

Illumina Laboratory Services, Illumina
Classification: Pathogenic. Last evaluated: 2023-09-15. Review status: criteria provided, single submitter. Criteria: ICSL CNVClassificationCriteria Aug2020. Collection method: clinical testing. Allele origin: unknown.
Comment: This CNV is a 4.6 Mb deletion of 17p13.3-p13.2 on chromosome 17, (seq[GRCh37]del(17)(p13.3-p13.2);NC_000017.10:g.2_4611147del) that occurred de novo. The CNV encompasses 82 protein coding genes and overlaps the well-described Miller-Dieker syndrome (MDS). This CNV results in the deletion of the MDS telomeric critical region including the PAFAH1B1 gene (previously known as LIS1), YWHAE (previously known as 14-3-3-epsilon), and many other contiguous genes (PMID: 12621583). This CNV has not been reported in controls (PMID: 24174537). Based on the available evidence, this CNV is classified as pathogenic.